The following is an entry in ClinVar:

NM_000383.4(AIRE):c.865C>A (p.Pro289Thr)

Gene: AIRE (autoimmune regulator; plus strand). Cytogenetic location: 21q22.3.
Variant type: single nucleotide variant.
Coding change: c.865C>A on transcript NM_000383.4 (MANE Select); coding-DNA position 865, C replaced by A.
Protein change: p.Pro289Thr; replaces proline 289 with threonine.
Molecular consequence: missense variant.
Genome position (GRCh38, 1-based): chr21:44,290,054, C>A. VCF-style: chr21-44290054-C-A. GRCh37 (hg19) VCF-style: chr21-45709937-C-A.
Other names: short protein forms P289T.
Identifiers: ClinVar variation 2913919 (VCV002913919.25), dbSNP rs1385283838, ClinGen allele CA410424739.

ClinVar aggregate classification (germline): Uncertain significance. Review status: criteria provided, multiple submitters, no conflicts (2 of 4 stars). 2 submissions from 2 submitters: Uncertain significance (2). Last evaluated 2024-12-19.

Conditions:
Polyglandular autoimmune syndrome, type 1 (APS1). Also called: Autoimmune polyendocrine syndrome type 1; Whitaker syndrome; AUTOIMMUNE POLYENDOCRINE SYNDROME, TYPE I, WITH OR WITHOUT REVERSIBLE METAPHYSEAL DYSPLASIA; APS I; HYPOADRENOCORTICISM WITH HYPOPARATHYROIDISM AND SUPERFICIAL MONILIASIS; PGA I. Identifiers: Orphanet 3453, MedGen C0085859, MONDO:0009411, OMIM 240300.

Allele frequency attached by ClinVar (database versions not stated): gnomAD exomes 0.00001.
gnomAD v4.1: 19 of 1,612,030 alleles (0.0012%); highest among the groups gnomAD compares: Non-Finnish European, 0.0014%; no homozygotes.

Submissions (2):

Labcorp Genetics (formerly Invitae), Labcorp
Classification: Uncertain significance for Polyglandular autoimmune syndrome, type 1. Last evaluated: 2024-12-19. Review status: criteria provided, single submitter. Criteria: Invitae Variant Classification Sherloc (09022015). Collection method: clinical testing. Allele origin: germline.
Comment: This sequence change replaces proline, which is neutral and non-polar, with threonine, which is neutral and polar, at codon 289 of the AIRE protein (p.Pro289Thr). This variant is not present in population databases (gnomAD no frequency). This variant has not been reported in the literature in individuals affected with AIRE-related conditions. ClinVar contains an entry for this variant (Variation ID: 2913919). Invitae Evidence Modeling of protein sequence and biophysical properties (such as structural, functional, and spatial information, amino acid conservation, physicochemical variation, residue mobility, and thermodynamic stability) has been performed for this missense variant. However, the output from this modeling did not meet the statistical confidence thresholds required to predict the impact of this variant on AIRE protein function. In summary, the available evidence is currently insufficient to determine the role of this variant in disease. Therefore, it has been classified as a Variant of Uncertain Significance.

CeGaT Center for Human Genetics Tuebingen
Classification: Uncertain significance. Last evaluated: 2024-02-01. Review status: criteria provided, single submitter. Criteria: CeGaT Center For Human Genetics Tuebingen Variant Classification Criteria Version 2. Collection method: clinical testing. Allele origin: germline. Affected: yes. Observed: 1 variant allele.
Comment: AIRE: PM2